The following is an entry in ClinVar:

NM_005506.4(SCARB2):c.826T>G (p.Ser276Ala)

Gene: SCARB2 (scavenger receptor class B member 2; minus strand). Cytogenetic location: 4q21.1.
Variant type: single nucleotide variant.
Coding change: c.826T>G on transcript NM_005506.4 (MANE Select); coding-DNA position 826, T replaced by G.
Protein change: p.Ser276Ala; replaces serine 276 with alanine.
Molecular consequence: missense variant.
Genome position (GRCh38, 1-based): chr4:76,174,312, A>C on the plus strand (T>G on the coding strand, the complement: SCARB2 is on the minus strand). VCF-style: chr4-76174312-A-C. GRCh37 (hg19) VCF-style: chr4-77095465-A-C.
Other names: c.397T>G, p.Ser133Ala (NM_001204255.2); short protein forms S276A, S133A.
Identifiers: ClinVar variation 450286 (VCV000450286.9), dbSNP rs188036542, ClinGen allele CA99890251.

ClinVar aggregate classification (germline): Uncertain significance. Review status: criteria provided, multiple submitters, no conflicts (2 of 4 stars). 3 submissions from 3 submitters: Uncertain significance (3). Last evaluated 2025-11-19.

Conditions:
Progressive myoclonic epilepsy. Also called: Familial progressive myoclonic epilepsy; Myoclonic Epilepsies, Progressive; Myoclonus epilepsy; Progressive myoclonus epilepsy. Identifiers: Orphanet 308, Orphanet 98261, MedGen C0751778, MONDO:0020074.
Inborn genetic diseases. Identifiers: MedGen C0950123, MeSH D030342.

Allele frequency attached by ClinVar (database versions not stated): TOPMed 0.00004; gnomAD 0.00005; gnomAD exomes below 0.00001.
gnomAD v4.1: 15 of 1,614,008 alleles (0.00093%); highest among the groups gnomAD compares: African/African-American, 0.016%; no homozygotes.

Submissions (3):

Ambry Genetics
Classification: Uncertain significance for Inborn genetic diseases. Last evaluated: 2025-11-19. Review status: criteria provided, single submitter. Criteria: Ambry Variant Classification Scheme 2023. Collection method: clinical testing. Allele origin: germline.

Labcorp Genetics (formerly Invitae), Labcorp
Classification: Uncertain significance for Progressive myoclonic epilepsy. Last evaluated: 2022-10-13. Review status: criteria provided, single submitter. Criteria: Invitae Variant Classification Sherloc (09022015). Collection method: clinical testing. Allele origin: germline.
Comment: This sequence change replaces serine, which is neutral and polar, with alanine, which is neutral and non-polar, at codon 276 of the SCARB2 protein (p.Ser276Ala). This variant is present in population databases (rs188036542, gnomAD 0.02%). This variant has not been reported in the literature in individuals affected with SCARB2-related conditions. ClinVar contains an entry for this variant (Variation ID: 450286). Algorithms developed to predict the effect of missense changes on protein structure and function are either unavailable or do not agree on the potential impact of this missense change (SIFT: "Tolerated"; PolyPhen-2: "Probably Damaging"; Align-GVGD: "Class C0"). In summary, the available evidence is currently insufficient to determine the role of this variant in disease. Therefore, it has been classified as a Variant of Uncertain Significance.

GeneDx
Classification: Uncertain significance. Last evaluated: 2017-07-06. Review status: criteria provided, single submitter. Criteria: GeneDx Variant Classification (06012015). Collection method: clinical testing. Allele origin: germline. Affected: yes.
Comment: A variant of uncertain significance has been identified in the SCARB2 gene. The S276A variant has not been published as a pathogenic variant, nor has it been reported as a benign variant to our knowledge. The S276A variant is not observed in large population cohorts (Lek et al., 2016; 1000 Genomes Consortium et al., 2015; Exome Variant Server). The S276A variant is a non-conservative amino acid substitution, which is likely to impact secondary protein structure as these residues differ in polarity, charge, size and/or other properties. This substitution occurs at a position that is conserved across species and in silico analysis predicts this variant is probably damaging to the protein structure/function. However, missense variants in nearby residues have not been reported in Human Gene Mutation Database in association with SCARB2-related disorders (Stenson et al., 2014). Therefore, based on the currently available information, it is unclear whether this variant is a pathogenic variant or a rare benign variant.